The following is an entry in ClinVar:

NM_001256789.3(CACNA1F):c.2741T>A (p.Val914Glu)

Gene: CACNA1F (calcium voltage-gated channel subunit alpha1 F; minus strand). Cytogenetic location: Xp11.23.
Variant type: single nucleotide variant.
Coding change: c.2741T>A on transcript NM_001256789.3 (MANE Select); coding-DNA position 2741, T replaced by A.
Protein change: p.Val914Glu; replaces valine 914 with glutamic acid.
Molecular consequence: missense variant.
Genome position (GRCh38, 1-based): chrX:49,218,728, A>T on the plus strand (T>A on the coding strand, the complement: CACNA1F is on the minus strand). VCF-style: chrX-49218728-A-T. GRCh37 (hg19) VCF-style: chrX-49075187-A-T.
Other names: c.2579T>A, p.Val860Glu (NM_001256790.3); c.2774T>A, p.Val925Glu (NM_005183.4); short protein forms V860E, V925E, V914E.
Identifiers: ClinVar variation 840495 (VCV000840495.10), dbSNP rs2065743789, ClinGen allele CA412964982.

ClinVar aggregate classification (germline): Uncertain significance (1 of 4 stars; one submission).

Submission:

Labcorp Genetics (formerly Invitae), Labcorp
Classification: Uncertain significance. Last evaluated: 2019-12-28. Review status: criteria provided, single submitter. Criteria: Invitae Variant Classification Sherloc (09022015). Collection method: clinical testing. Allele origin: germline.
Comment: In summary, the available evidence is currently insufficient to determine the role of this variant in disease. Therefore, it has been classified as a Variant of Uncertain Significance. Algorithms developed to predict the effect of missense changes on protein structure and function are either unavailable or do not agree on the potential impact of this missense change (SIFT: "Deleterious"; PolyPhen-2: "Benign"; Align-GVGD: "Class C15"). This variant has not been reported in the literature in individuals with CACNA1F-related conditions. This variant is not present in population databases (ExAC no frequency). This sequence change replaces valine with glutamic acid at codon 925 of the CACNA1F protein (p.Val925Glu). The valine residue is highly conserved and there is a moderate physicochemical difference between valine and glutamic acid.